The following is an entry in ClinVar:

NM_001128178.3(NPHP1):c.1460C>T (p.Thr487Ile)

Gene: NPHP1 (nephrocystin 1; minus strand). Cytogenetic location: 2q13.
Variant type: single nucleotide variant.
Coding change: c.1460C>T on transcript NM_001128178.3 (MANE Select); coding-DNA position 1460, C replaced by T.
Protein change: p.Thr487Ile; replaces threonine 487 with isoleucine.
Molecular consequence: missense variant.
Genome position (GRCh38, 1-based): chr2:110,143,611, G>A on the plus strand (C>T on the coding strand, the complement: NPHP1 is on the minus strand). VCF-style: chr2-110143611-G-A. GRCh37 (hg19) VCF-style: chr2-110901188-G-A.
Other names: c.1628C>T, p.Thr543Ile (NM_000272.5); c.1271C>T, p.Thr424Ile (NM_001128179.3); c.1457C>T, p.Thr486Ile (NM_001374256.1); c.1460C>T, p.Thr487Ile (NM_001374257.1); c.1625C>T, p.Thr542Ile (NM_207181.4); short protein forms T424I, T486I, T487I, T542I, T543I.
Identifiers: ClinVar variation 1002342 (VCV001002342.6), dbSNP rs1680806014, ClinGen allele CA348087337.

ClinVar aggregate classification (germline): Uncertain significance (1 of 4 stars; one submission).

Conditions:
Nephronophthisis. Also called: Juvenile Nephronophthisis. Identifiers: Orphanet 655, MedGen C0687120, MONDO:0019005, HP:0000090.

Submission:

Labcorp Genetics (formerly Invitae), Labcorp
Classification: Uncertain significance for Nephronophthisis. Last evaluated: 2022-06-13. Review status: criteria provided, single submitter. Criteria: Invitae Variant Classification Sherloc (09022015). Collection method: clinical testing. Allele origin: germline.
Comment: This sequence change replaces threonine, which is neutral and polar, with isoleucine, which is neutral and non-polar, at codon 543 of the NPHP1 protein (p.Thr543Ile). This variant is not present in population databases (gnomAD no frequency). This variant has not been reported in the literature in individuals affected with NPHP1-related conditions. ClinVar contains an entry for this variant (Variation ID: 1002342). Algorithms developed to predict the effect of missense changes on protein structure and function output the following: SIFT: "Deleterious"; PolyPhen-2: "Benign"; Align-GVGD: "Class C0". The isoleucine amino acid residue is found in multiple mammalian species, which suggests that this missense change does not adversely affect protein function. In summary, the available evidence is currently insufficient to determine the role of this variant in disease. Therefore, it has been classified as a Variant of Uncertain Significance.